The following is an entry in ClinVar:

NM_001366385.1(CARD14):c.2398+49G>A

Genes: CARD14 (caspase recruitment domain family member 14; plus strand), SGSH (N-sulfoglucosamine sulfohydrolase; minus strand). Cytogenetic location: 17q25.3.
Variant type: single nucleotide variant.
Coding change: c.2398+49G>A on transcript NM_001366385.1 (MANE Select); 49 bases into the intron after coding-DNA position 2398, G replaced by A.
Molecular consequence: intron variant.
Genome position (GRCh38, 1-based): chr17:80,204,390, G>A. VCF-style: chr17-80204390-G-A. GRCh37 (hg19) VCF-style: chr17-78178189-G-A.
Other names: c.2398+49G>A (NM_024110.4).
Identifiers: ClinVar variation 1192538 (VCV001192538.7), dbSNP rs4889997, ClinGen allele CA8817301.
Genomic context (GRCh38, chr17:80,204,390, plus strand): 5'-GCAGGATGGAGGGTGAGGCCTGGTGAGCTGGCACAGGGGCCACTGGCTCCAAGTGGGTGA[G>A]GGGCTTTGGGAGCTGCTGCTAGTTGGTCAGCTGGGGCAGGGGGATGCCACTCATTTAGGC-3'

ClinVar aggregate classification (germline): Benign. Review status: criteria provided, multiple submitters, no conflicts (2 of 4 stars). 5 submissions from 4 submitters: Benign (5). Last evaluated 2023-11-12.

Conditions:
Pityriasis rubra pilaris (PRP). Also called: Pityriasis rubra pilaris--familial type. Identifiers: Orphanet 2897, MedGen C0032027, MONDO:0100017, OMIM 173200, MONDO:0008251.
Psoriasis 2. Identifiers: MedGen C1864497, MONDO:0011269, OMIM 602723.

Allele frequency attached by ClinVar (database versions not stated): 1000 Genomes Project 30x 0.35743; 1000 Genomes Project 0.35843; ESP Exome Variant Server 0.38903; TOPMed 0.39029; gnomAD 0.40054 and 0.40159; gnomAD exomes 0.41450 and 0.48432; ExAC 0.41820.
gnomAD v4.1: 705,280 of 1,485,298 alleles (47%); highest among the groups gnomAD compares: East Asian, 55%; 173,114 homozygotes.

Submissions (5):

Unidad de Genómica Garrahan, Hospital de Pediatría Garrahan
Classification: Benign. Last evaluated: 2023-11-12. Review status: criteria provided, single submitter. Criteria: ACMG Guidelines, 2015. Collection method: clinical testing. Allele origin: germline. Affected: no. Observed: 41 variant alleles.
Comment: This variant is classified as Benign based on local population frequency. This variant was detected in 43% of patients studied by a panel of primary immunodeficiencies. Number of patients: 41. Only high quality variants are reported.

Genome-Nilou Lab
Classification: Benign for Pityriasis rubra pilaris. Last evaluated: 2021-07-14. Review status: criteria provided, single submitter. Criteria: ACMG Guidelines, 2015. Collection method: clinical testing. Allele origin: germline. Affected: no.

Genome-Nilou Lab
Classification: Benign for Psoriasis 2. Last evaluated: 2021-07-14. Review status: criteria provided, single submitter. Criteria: ACMG Guidelines, 2015. Collection method: clinical testing. Allele origin: germline. Affected: no.

GeneDx
Classification: Benign. Last evaluated: 2018-07-09. Review status: criteria provided, single submitter. Criteria: GeneDx Variant Classification Process June 2021. Collection method: clinical testing. Allele origin: germline. Affected: yes.

Breakthrough Genomics
Classification: Benign. Review status: criteria provided, single submitter. Criteria: ACMG Guidelines, 2015. Collection method: not provided. Allele origin: germline. Inheritance: Autosomal dominant inheritance. Affected: yes.